The following is an entry in ClinVar:

NM_001457.4(FLNB):c.4642G>A (p.Gly1548Arg)

Gene: FLNB (filamin B; plus strand). Cytogenetic location: 3p14.3.
Variant type: single nucleotide variant.
Coding change: c.4642G>A on transcript NM_001457.4 (MANE Select); coding-DNA position 4642, G replaced by A.
Protein change: p.Gly1548Arg; replaces glycine 1548 with arginine.
Molecular consequence: missense variant.
Genome position (GRCh38, 1-based): chr3:58,134,743, G>A. VCF-style: chr3-58134743-G-A. GRCh37 (hg19) VCF-style: chr3-58120470-G-A.
Other names: c.4735G>A, p.Gly1579Arg (NM_001164317.2); c.4642G>A, p.Gly1548Arg (NM_001164318.2, NM_001164319.2); short protein forms G1548R, G1579R.
Identifiers: ClinVar variation 1710799 (VCV001710799.3), dbSNP rs372932282, ClinGen allele CA2468830.

ClinVar aggregate classification (germline): Uncertain significance. Review status: criteria provided, multiple submitters, no conflicts (2 of 4 stars). 2 submissions from 2 submitters: Uncertain significance (2). Last evaluated 2024-08-27.

Conditions:
Inborn genetic diseases. Identifiers: MedGen C0950123, MeSH D030342.

Allele frequency attached by ClinVar (database versions not stated): gnomAD exomes below 0.00001; TOPMed below 0.00001; ExAC 0.00001; ESP Exome Variant Server 0.00008.
gnomAD v4.1: 1 of 1,614,046 alleles (0.000062%); highest among the groups gnomAD compares: Non-Finnish European, 0.000085%; no homozygotes.

Submissions (2):

Ambry Genetics
Classification: Uncertain significance for Inborn genetic diseases. Last evaluated: 2024-08-27. Review status: criteria provided, single submitter. Criteria: Ambry Variant Classification Scheme 2023. Collection method: clinical testing. Allele origin: germline.

GeneDx
Classification: Uncertain significance. Last evaluated: 2022-04-13. Review status: criteria provided, single submitter. Criteria: GeneDx Variant Classification Process June 2021. Collection method: clinical testing. Allele origin: germline. Affected: yes.
Comment: Not observed at significant frequency in large population cohorts (gnomAD); In silico analysis supports that this missense variant has a deleterious effect on protein structure/function; Has not been previously published as pathogenic or benign to our knowledge